The following is an entry in ClinVar:

ClinVar aggregate classification (germline): Uncertain significance. Review status: criteria provided, multiple submitters, no conflicts (2 of 4 stars). 2 submissions from 2 submitters: Uncertain significance (2). Last evaluated 2025-07-20.

Conditions:
Atrioventricular septal defect 4 (AVSD4). Identifiers: MedGen C3280781, MONDO:0013747, OMIM 614430.

gnomAD v4.1: 3 of 1,614,116 alleles (0.00019%); highest among the groups gnomAD compares: Non-Finnish European, 0.00025%; no homozygotes.

Submissions (2):

Labcorp Genetics (formerly Invitae), Labcorp
Classification: Uncertain significance for Atrioventricular septal defect 4. Last evaluated: 2025-07-20. Review status: criteria provided, single submitter. Criteria: Invitae Variant Classification Sherloc (09022015). Collection method: clinical testing. Allele origin: germline.
Comment: This sequence change replaces isoleucine, which is neutral and non-polar, with leucine, which is neutral and non-polar, at codon 255 of the GATA4 protein (p.Ile255Leu). This variant is present in population databases (no rsID available, gnomAD 0.0009%). This variant has not been reported in the literature in individuals affected with GATA4-related conditions. Invitae Evidence Modeling of protein sequence and biophysical properties (such as structural, functional, and spatial information, amino acid conservation, physicochemical variation, residue mobility, and thermodynamic stability) has been performed for this missense variant. However, the output from this modeling did not meet the statistical confidence thresholds required to predict the impact of this variant on GATA4 protein function. In summary, the available evidence is currently insufficient to determine the role of this variant in disease. Therefore, it has been classified as a Variant of Uncertain Significance.

Blueprint Genetics
Classification: Uncertain significance. Last evaluated: 2023-08-23. Review status: criteria provided, single submitter. Criteria: ACMG Guidelines, 2015. Collection method: clinical testing. Allele origin: germline.

NM_001308093.3(GATA4):c.766A>C (p.Ile256Leu)

Gene: GATA4 (GATA binding protein 4). Cytogenetic location: 8p23.1.
Variant type: single nucleotide variant.
Coding change: c.766A>C on transcript NM_001308093.3 (MANE Select); coding-DNA position 766, A replaced by C.
Protein change: p.Ile256Leu; replaces isoleucine 256 with leucine.
Molecular consequence: missense variant.
Genome position (GRCh38, 1-based): chr8:11,749,065, A>C. VCF-style: chr8-11749065-A-C. GRCh37 (hg19) VCF-style: chr8-11606574-A-C.
Other names: c.145A>C, p.Ile49Leu (NM_001308094.2, NM_001374273.1, NM_001374274.1); c.763A>C, p.Ile255Leu (NM_002052.5); short protein forms I255L, I256L, I49L.
Identifiers: ClinVar variation 4798752 (VCV004798752.2).